The following is an entry in ClinVar:

NM_177438.3(DICER1):c.1706T>G (p.Ile569Arg)

Gene: DICER1 (dicer 1, ribonuclease III; minus strand). Cytogenetic location: 14q32.13.
Variant type: single nucleotide variant.
Coding change: c.1706T>G on transcript NM_177438.3 (MANE Select); coding-DNA position 1706, T replaced by G.
Protein change: p.Ile569Arg; replaces isoleucine 569 with arginine.
Molecular consequence: missense variant.
Genome position (GRCh38, 1-based): chr14:95,116,499, A>C on the plus strand (T>G on the coding strand, the complement: DICER1 is on the minus strand). VCF-style: chr14-95116499-A-C. GRCh37 (hg19) VCF-style: chr14-95582836-A-C.
Other names: c.1706T>G, p.Ile569Arg (NM_001195573.1, NM_001271282.3, NM_001291628.2 and 1 more transcripts); short protein forms I569R.
Identifiers: ClinVar variation 1003950 (VCV001003950.10), dbSNP rs1555372847, ClinGen allele CA390884748.

ClinVar aggregate classification (germline): Uncertain significance (1 of 4 stars; one submission).

Conditions:
DICER1-related tumor predisposition. Also called: DICER1 syndrome; DICER1-related pleuropulmonary blastoma cancer predisposition syndrome. Identifiers: Orphanet 284343, MedGen C3839822, MONDO:0100216.

Submission:

Labcorp Genetics (formerly Invitae), Labcorp
Classification: Uncertain significance for DICER1-related tumor predisposition. Last evaluated: 2020-10-07. Review status: criteria provided, single submitter. Criteria: Invitae Variant Classification Sherloc (09022015). Collection method: clinical testing. Allele origin: germline.
Comment: This variant is not present in population databases (ExAC no frequency). This variant has not been reported in the literature in individuals with DICER1-related conditions. Algorithms developed to predict the effect of missense changes on protein structure and function (SIFT, PolyPhen-2, Align-GVGD) all suggest that this variant is likely to be tolerated, but these predictions have not been confirmed by published functional studies and their clinical significance is uncertain. In summary, the available evidence is currently insufficient to determine the role of this variant in disease. Therefore, it has been classified as a Variant of Uncertain Significance. This sequence change replaces isoleucine with arginine at codon 569 of the DICER1 protein (p.Ile569Arg). The isoleucine residue is moderately conserved and there is a moderate physicochemical difference between isoleucine and arginine.